The following is an entry in ClinVar:

ClinVar aggregate classification (germline): Uncertain significance (1 of 4 stars; one submission).

Conditions:
Inborn genetic diseases. Identifiers: MedGen C0950123, MeSH D030342.

Submission:

Ambry Genetics
Classification: Uncertain significance for Inborn genetic diseases. Last evaluated: 2021-10-11. Review status: criteria provided, single submitter. Criteria: Ambry Variant Classification Scheme 2023. Collection method: clinical testing. Allele origin: germline.
Comment: The p.E142Q variant (also known as c.424G>C), located in coding exon 2 of the ATP7B gene, results from a G to C substitution at nucleotide position 424. The glutamic acid at codon 142 is replaced by glutamine, an amino acid with highly similar properties. This amino acid position is conserved. In addition, the in silico prediction for this alteration is inconclusive. Since supporting evidence is limited at this time, the clinical significance of this alteration remains unclear.

NM_000053.4(ATP7B):c.424G>C (p.Glu142Gln)

Gene: ATP7B (ATPase copper transporting beta; minus strand). Cytogenetic location: 13q14.3.
Variant type: single nucleotide variant.
Coding change: c.424G>C on transcript NM_000053.4 (MANE Select); coding-DNA position 424, G replaced by C.
Protein change: p.Glu142Gln; replaces glutamic acid 142 with glutamine.
Molecular consequence: missense variant.
Genome position (GRCh38, 1-based): chr13:51,974,796, C>G on the plus strand (G>C on the coding strand, the complement: ATP7B is on the minus strand). VCF-style: chr13-51974796-C-G. GRCh37 (hg19) VCF-style: chr13-52548932-C-G.
Other names: c.424G>C, p.Glu142Gln (NM_001005918.3, NM_001243182.2, NM_001330578.2 and 30 more transcripts); c.328G>C, p.Glu110Gln (NM_001406517.1, NM_001406518.1, NM_001406530.1 and 4 more transcripts); short protein forms E110Q, E142Q.
Identifiers: ClinVar variation 1739078 (VCV001739078.2), dbSNP rs2547822978, ClinGen allele CA388044045.